The following is an entry in ClinVar:

ClinVar aggregate classification (germline): Uncertain significance (1 of 4 stars; one submission).

Submission:

Labcorp Genetics (formerly Invitae), Labcorp
Classification: Uncertain significance. Last evaluated: 2024-04-18. Review status: criteria provided, single submitter. Criteria: Invitae Variant Classification Sherloc (09022015). Collection method: clinical testing. Allele origin: germline.
Comment: This sequence change replaces tyrosine, which is neutral and polar, with phenylalanine, which is neutral and non-polar, at codon 190 of the LOX protein (p.Tyr190Phe). This variant is not present in population databases (gnomAD no frequency). This variant has not been reported in the literature in individuals affected with LOX-related conditions. Advanced modeling of protein sequence and biophysical properties (such as structural, functional, and spatial information, amino acid conservation, physicochemical variation, residue mobility, and thermodynamic stability) performed at Invitae indicates that this missense variant is not expected to disrupt LOX protein function with a negative predictive value of 80%. In summary, the available evidence is currently insufficient to determine the role of this variant in disease. Therefore, it has been classified as a Variant of Uncertain Significance.

NM_002317.7(LOX):c.569A>T (p.Tyr190Phe)

Genes: LOX (lysyl oxidase; minus strand), SRFBP1 (serum response factor binding protein 1; plus strand). Cytogenetic location: 5q23.1.
Variant type: single nucleotide variant.
Coding change: c.569A>T on transcript NM_002317.7 (MANE Select); coding-DNA position 569, A replaced by T.
Protein change: p.Tyr190Phe; replaces tyrosine 190 with phenylalanine.
Molecular consequence: missense variant.
Genome position (GRCh38, 1-based): chr5:122,077,417, T>A on the plus strand (A>T on the coding strand, the complement: LOX is on the minus strand). VCF-style: chr5-122077417-T-A. GRCh37 (hg19) VCF-style: chr5-121413112-T-A.
Other names: short protein forms Y190F.
Identifiers: ClinVar variation 3649732 (VCV003649732.2).
Genomic context (GRCh38, chr5:122,077,417, plus strand): 5'-TACTGGAAGTAGCCAGTGCCGTATCCGGGCCGGTACCTGCCCCCAGGTCTGGGCCTTTCA[T>A]AAGTATCGTAGTAGTTGTAATAAGGGTTGTCGTCAGAGTACTTGTAGGGGTTGTAAGGGT-3'
Protein context (NP_002308.2, residues 180-200): DNPYYNYYDT[Tyr190Phe]ERPRPGGRYR